The following is an entry in ClinVar:

ClinVar aggregate classification (germline): Uncertain significance (1 of 4 stars; one submission).

Conditions:
Ehlers-Danlos syndrome, classic type, 1 (EDSCL1). Also called: EHLERS-DANLOS SYNDROME, GRAVIS TYPE; EHLERS-DANLOS SYNDROME, SEVERE CLASSIC TYPE; Ehlers-Danlos syndrome, type 1; Ehlers-Danlos Syndrome, Classic Type, COL5A1-Related; EDS I. Identifiers: MedGen C0268335, MONDO:0019567, OMIM 130000.

Submission:

Labcorp Genetics (formerly Invitae), Labcorp
Classification: Uncertain significance for Ehlers-Danlos syndrome, classic type, 1. Last evaluated: 2025-12-01. Review status: criteria provided, single submitter. Criteria: Invitae Variant Classification Sherloc (09022015). Collection method: clinical testing. Allele origin: germline.
Comment: This sequence change falls in intron 17 of the COL5A1 gene. It does not directly change the encoded amino acid sequence of the COL5A1 protein. It affects a nucleotide within the consensus splice site. This variant is not present in population databases (gnomAD no frequency). This variant has not been reported in the literature in individuals affected with COL5A1-related conditions. Variants that disrupt the consensus splice site are a relatively common cause of aberrant splicing (PMID: 17576681, 9536098). Algorithms developed to predict the effect of sequence changes on RNA splicing suggest that this variant is not likely to affect RNA splicing. In summary, the available evidence is currently insufficient to determine the role of this variant in disease. Therefore, it has been classified as a Variant of Uncertain Significance.

Literature cited by the submitters: PubMed 17576681; PubMed 9536098.

NM_000093.5(COL5A1):c.1881+6T>A

Gene: COL5A1 (collagen type V alpha 1 chain; plus strand). Cytogenetic location: 9q34.3.
Variant type: single nucleotide variant.
Coding change: c.1881+6T>A on transcript NM_000093.5 (MANE Select); 6 bases into the intron after coding-DNA position 1881, T replaced by A.
Molecular consequence: intron variant.
Genome position (GRCh38, 1-based): chr9:134,756,824, T>A. VCF-style: chr9-134756824-T-A. GRCh37 (hg19) VCF-style: chr9-137648670-T-A.
Other names: c.1881+6T>A (NM_001278074.1).
Identifiers: ClinVar variation 4732264 (VCV004732264.1).
Genomic context (GRCh38, chr9:134,756,824, plus strand): 5'-GGGTCGGGCTGGGAGTGATGGAGCCAGAGGAATGCCTGGACAAACTGGCCCCAAGGTAGG[T>A]CACCCACCACCCTCCTGGTGCCCTGGCATCACTGTCATCCCTGGGGTCATGTTGATGATG-3'